The following is an entry in ClinVar:

ClinVar aggregate classification (germline): Pathogenic (1 of 4 stars; one submission).

Submission:

Labcorp Genetics (formerly Invitae), Labcorp
Classification: Pathogenic. Last evaluated: 2024-06-23. Review status: criteria provided, single submitter. Criteria: Invitae Variant Classification Sherloc (09022015). Collection method: clinical testing. Allele origin: germline.
Comment: This sequence change affects the initiator methionine of the SPINT2 mRNA. The next in-frame methionine is located at codon 51. This variant is not present in population databases (gnomAD no frequency). Disruption of the initiator codon has been observed in individual(s) with congenital sodium diarrhea and/or congenital tufting enteropathy (PMID: 19185281, 24142340). In at least one individual the data is consistent with being in trans (on the opposite chromosome) from a pathogenic variant. Studies have shown that disruption of the initiator codon alters SPINT2 gene expression (PMID: 19185281). For these reasons, this variant has been classified as Pathogenic.

Literature cited by the submitters: PubMed 19185281; PubMed 24142340.

NM_021102.4(SPINT2):c.1A>G (p.Met1Val)

Gene: SPINT2 (serine peptidase inhibitor, Kunitz type 2; plus strand). Cytogenetic location: 19q13.2.
Variant type: single nucleotide variant.
Coding change: c.1A>G on transcript NM_021102.4 (MANE Select); coding-DNA position 1, A replaced by G.
Protein change: p.Met1Val; changes the start codon (methionine 1).
Molecular consequence: missense variant, initiator codon variant.
Genome position (GRCh38, 1-based): chr19:38,264,893, A>G. VCF-style: chr19-38264893-A-G. GRCh37 (hg19) VCF-style: chr19-38755533-A-G.
Other names: c.1A>G, p.Met1Val (NM_001166103.2); short protein forms M1V.
Identifiers: ClinVar variation 3611761 (VCV003611761.2).